The following is an entry in ClinVar:

ClinVar aggregate classification (germline): Uncertain significance (1 of 4 stars; one submission).

Allele frequency attached by ClinVar (database versions not stated): gnomAD 0.00001; gnomAD exomes 0.00001; TOPMed 0.00001; ExAC 0.00002.

Submission:

Labcorp Genetics (formerly Invitae), Labcorp
Classification: Uncertain significance. Last evaluated: 2023-04-26. Review status: criteria provided, single submitter. Criteria: Invitae Variant Classification Sherloc (09022015). Collection method: clinical testing. Allele origin: germline.
Comment: This variant is present in population databases (rs755349826, gnomAD 0.003%). This sequence change replaces alanine, which is neutral and non-polar, with threonine, which is neutral and polar, at codon 206 of the YWHAG protein (p.Ala206Thr). This variant has not been reported in the literature in individuals affected with YWHAG-related conditions. In summary, the available evidence is currently insufficient to determine the role of this variant in disease. Therefore, it has been classified as a Variant of Uncertain Significance. Advanced modeling of protein sequence and biophysical properties (such as structural, functional, and spatial information, amino acid conservation, physicochemical variation, residue mobility, and thermodynamic stability) performed at Invitae indicates that this missense variant is not expected to disrupt YWHAG protein function. ClinVar contains an entry for this variant (Variation ID: 1972620).

NM_012479.4(YWHAG):c.616G>A (p.Ala206Thr)

Gene: YWHAG (tyrosine 3-monooxygenase/tryptophan 5-monooxygenase activation protein gamma; minus strand). Cytogenetic location: 7q11.23.
Variant type: single nucleotide variant.
Coding change: c.616G>A on transcript NM_012479.4 (MANE Select); coding-DNA position 616, G replaced by A.
Protein change: p.Ala206Thr; replaces alanine 206 with threonine.
Molecular consequence: missense variant.
Genome position (GRCh38, 1-based): chr7:76,329,705, C>T on the plus strand (G>A on the coding strand, the complement: YWHAG is on the minus strand). VCF-style: chr7-76329705-C-T. GRCh37 (hg19) VCF-style: chr7-75959022-C-T.
Other names: short protein forms A206T.
Identifiers: ClinVar variation 1972620 (VCV001972620.5), dbSNP rs755349826, ClinGen allele CA4306502.